The following is an entry in ClinVar:

NM_001146079.2(CLDN14):c.471G>A (p.Lys157=)

Genes: CLDN14 (claudin 14; minus strand), CLDN14-AS1 (CLDN14 antisense RNA 1; plus strand). Cytogenetic location: 21q22.13.
Variant type: single nucleotide variant.
Coding change: c.471G>A on transcript NM_001146079.2 (MANE Select); coding-DNA position 471, G replaced by A.
Protein change: p.Lys157=; no amino-acid change (lysine 157 retained).
Molecular consequence: synonymous variant.
Genome position (GRCh38, 1-based): chr21:36,461,225, C>T on the plus strand (G>A on the coding strand, the complement: CLDN14 is on the minus strand). VCF-style: chr21-36461225-C-T. GRCh37 (hg19) VCF-style: chr21-37833523-C-T.
Other names: c.471G>A, p.Lys157= (NM_001146077.2, NM_001146078.3, NM_012130.4 and 1 more transcripts).
Identifiers: ClinVar variation 162966 (VCV000162966.16), dbSNP rs146860442, ClinGen allele CA175548.

ClinVar aggregate classification (germline): Likely benign. Review status: criteria provided, multiple submitters, no conflicts (2 of 4 stars). 5 submissions from 5 submitters: Likely benign (5). Last evaluated 2025-09-19.

Allele frequency attached by ClinVar (database versions not stated): gnomAD exomes 0.00006 and 0.00014; ExAC 0.00014; ESP Exome Variant Server 0.00038; gnomAD 0.00054 and 0.00063; TOPMed 0.00079.
gnomAD v4.1: 193 of 1,613,994 alleles (0.012%); highest among the groups gnomAD compares: African/African-American, 0.21%; 1 homozygote.

Submissions (5):

Labcorp Genetics (formerly Invitae), Labcorp
Classification: Likely benign. Last evaluated: 2025-09-19. Review status: criteria provided, single submitter. Criteria: Invitae Variant Classification Sherloc (09022015). Collection method: clinical testing. Allele origin: germline.

Blueprint Genetics
Classification: Likely benign. Last evaluated: 2023-12-27. Review status: criteria provided, single submitter. Criteria: ACMG Guidelines, 2015. Collection method: clinical testing. Allele origin: germline.

GeneDx
Classification: Likely benign. Last evaluated: 2021-06-08. Review status: criteria provided, single submitter. Criteria: GeneDx Variant Classification Process June 2021. Collection method: clinical testing. Allele origin: germline. Affected: yes.

Laboratory for Molecular Medicine, Mass General Brigham Personalized Medicine
Classification: Likely benign. Last evaluated: 2012-04-30. Review status: criteria provided, single submitter. Criteria: LMM Criteria. Collection method: clinical testing. Allele origin: germline. Observed: 1 variant allele.
Comment: Lys157Lys in Exon 03 of CLDN14: This variant is not expected to have clinical si gnificance because it does not alter an amino acid residue, is not located withi n the splice consensus sequence, and has been identified in 0.1% (4/3738) of Afr ican American chromosomes from a broad population by the NHLBI Exome Sequencing Project (dbSNP rs146860442).

Breakthrough Genomics
Classification: Likely benign. Review status: criteria provided, single submitter. Criteria: ACMG Guidelines, 2015. Collection method: not provided. Allele origin: germline. Inheritance: Autosomal recessive inheritance. Affected: yes.